The following is an entry in ClinVar:

NM_001371986.1(UNC80):c.2992G>A (p.Glu998Lys)

Gene: UNC80 (unc-80 subunit of NALCN channel complex; plus strand). Cytogenetic location: 2q34.
Variant type: single nucleotide variant.
Coding change: c.2992G>A on transcript NM_001371986.1 (MANE Select); coding-DNA position 2992, G replaced by A.
Protein change: p.Glu998Lys; replaces glutamic acid 998 with lysine.
Molecular consequence: missense variant.
Genome position (GRCh38, 1-based): chr2:209,834,961, G>A. VCF-style: chr2-209834961-G-A. GRCh37 (hg19) VCF-style: chr2-210699685-G-A.
Other names: c.2992G>A, p.Glu998Lys (NM_032504.2); c.2977G>A, p.Glu993Lys (NM_182587.4); short protein forms E998K, E993K.
Identifiers: ClinVar variation 1992674 (VCV001992674.4), dbSNP rs2470993023, ClinGen allele CA350411916.

ClinVar aggregate classification (germline): Uncertain significance (1 of 4 stars; one submission).

Submission:

Labcorp Genetics (formerly Invitae), Labcorp
Classification: Uncertain significance. Last evaluated: 2022-05-10. Review status: criteria provided, single submitter. Criteria: Invitae Variant Classification Sherloc (09022015). Collection method: clinical testing. Allele origin: germline.
Comment: This variant is not present in population databases (gnomAD no frequency). This variant has not been reported in the literature in individuals affected with UNC80-related conditions. Algorithms developed to predict the effect of missense changes on protein structure and function are either unavailable or do not agree on the potential impact of this missense change (SIFT: "Not Available"; PolyPhen-2: "Benign"; Align-GVGD: "Not Available"). In summary, the available evidence is currently insufficient to determine the role of this variant in disease. Therefore, it has been classified as a Variant of Uncertain Significance. This sequence change replaces glutamic acid, which is acidic and polar, with lysine, which is basic and polar, at codon 998 of the UNC80 protein (p.Glu998Lys).